The following is an entry in ClinVar:

ClinVar aggregate classification (germline): Conflicting classifications of pathogenicity. Review status: criteria provided, conflicting classifications (1 of 4 stars). 5 submissions from 5 submitters: Uncertain significance (2); Likely benign (2). 1 of the submissions does not count toward it. Last evaluated 2025-09-29.

Conditions:
Fabry disease. Also called: Ceramide trihexosidosis; Angiokeratoma corporis diffusum; ALPHA-GALACTOSIDASE A DEFICIENCY; ANDERSON-FABRY DISEASE; CERAMIDE TRIHEXOSIDASE DEFICIENCY; GLA DEFICIENCY. Identifiers: Orphanet 324, MedGen C0002986, MONDO:0010526, OMIM 301500, HP:0001071. Disease mechanism: Fabry disease is due to inactivating mutations in the X-linked GLA gene resulting in deficiency of the enzyme Alpha Galactosidase-A., loss of function.

Allele frequency attached by ClinVar (database versions not stated): gnomAD exomes below 0.00001; gnomAD 0.00001.
gnomAD v4.1: 2 of 1,209,106 alleles (0.00017%); highest among the groups gnomAD compares: Non-Finnish European, 0.00022%; no homozygotes.

Submissions (5):

Labcorp Genetics (formerly Invitae), Labcorp
Classification: Uncertain significance for Fabry disease. Last evaluated: 2025-09-29. Review status: criteria provided, single submitter. Criteria: Invitae Variant Classification Sherloc (09022015). Collection method: clinical testing. Allele origin: germline.
Comment: This sequence change replaces histidine, which is basic and polar, with arginine, which is basic and polar, at codon 9 of the GLA protein (p.His9Arg). This variant is present in population databases (no rsID available, gnomAD 0.01%). This variant has not been reported in the literature in individuals affected with GLA-related conditions. ClinVar contains an entry for this variant (Variation ID: 870773). Invitae Evidence Modeling of protein sequence and biophysical properties (such as structural, functional, and spatial information, amino acid conservation, physicochemical variation, residue mobility, and thermodynamic stability) indicates that this missense variant is not expected to disrupt GLA protein function with a negative predictive value of 95%. In summary, the available evidence is currently insufficient to determine the role of this variant in disease. Therefore, it has been classified as a Variant of Uncertain Significance.

Color Diagnostics, LLC DBA Color Health
Classification: Likely benign for Fabry disease. Last evaluated: 2024-09-06. Review status: criteria provided, single submitter. Criteria: ACMG Guidelines, 2015. Collection method: clinical testing. Allele origin: germline.

Genome-Nilou Lab
Classification: Likely benign for Fabry disease. Last evaluated: 2021-07-15. Review status: criteria provided, single submitter. Criteria: ACMG Guidelines, 2015. Collection method: clinical testing. Allele origin: germline. Affected: no.

CeGaT Center for Human Genetics Tuebingen
Classification: Uncertain significance. Last evaluated: 2019-11-01. Review status: criteria provided, single submitter. Criteria: CeGaT Center For Human Genetics Tuebingen Variant Classification Criteria Version 2. Collection method: clinical testing. Allele origin: germline. Affected: yes. Observed: 1 variant allele.

Natera, Inc.
Classification: Uncertain significance for Fabry disease. Last evaluated: 2025-03-31. Review status: no assertion criteria provided. Collection method: clinical testing. Allele origin: germline. Not counted in ClinVar's aggregate classification.

NM_000169.3(GLA):c.26A>G (p.His9Arg)

Genes: GLA (galactosidase alpha; minus strand), RPL36A-HNRNPH2 (RPL36A-HNRNPH2 readthrough; plus strand). Cytogenetic location: Xq22.1.
Variant type: single nucleotide variant.
Coding change: c.26A>G on transcript NM_000169.3 (MANE Select); coding-DNA position 26, A replaced by G.
Protein change: p.His9Arg; replaces histidine 9 with arginine.
Molecular consequence: missense variant. On other transcripts: non-coding transcript variant (3), intron variant (2).
Genome position (GRCh38, 1-based): chrX:101,407,878, T>C on the plus strand (A>G on the coding strand, the complement: GLA is on the minus strand). VCF-style: chrX-101407878-T-C. GRCh37 (hg19) VCF-style: chrX-100662866-T-C.
Other names: c.26A>G, p.His9Arg (NM_001406747.1, NM_001406748.1, NM_001406749.1); c.301-4058T>C (NM_001199973.2); c.178-4058T>C (NM_001199974.2); short protein forms H9R.
Identifiers: ClinVar variation 870773 (VCV000870773.48), dbSNP rs1555987214, ClinGen allele CA413937839.